The following is an entry in ClinVar:

NM_000368.5(TSC1):c.3026A>G (p.Glu1009Gly)

Gene: TSC1 (TSC complex subunit 1; minus strand). Cytogenetic location: 9q34.13.
Variant type: single nucleotide variant.
Coding change: c.3026A>G on transcript NM_000368.5 (MANE Select); coding-DNA position 3026, A replaced by G.
Protein change: p.Glu1009Gly; replaces glutamic acid 1009 with glycine.
Molecular consequence: missense variant. On other transcripts: non-coding transcript variant (5).
Genome position (GRCh38, 1-based): chr9:132,896,704, T>C on the plus strand (A>G on the coding strand, the complement: TSC1 is on the minus strand). VCF-style: chr9-132896704-T-C. GRCh37 (hg19) VCF-style: chr9-135772091-T-C.
Other names: c.2981A>G, p.Glu994Gly (NM_001406608.1, NM_001406609.1); c.2873A>G, p.Glu958Gly (NM_001406610.1, NM_001162427.2); c.2870A>G, p.Glu957Gly (NM_001406611.1, NM_001406612.1); c.2828A>G, p.Glu943Gly (NM_001406613.1); c.2621A>G, p.Glu874Gly (NM_001406624.1); c.2618A>G, p.Glu873Gly (NM_001406625.1); c.2075A>G, p.Glu692Gly (NM_001406626.1); c.2072A>G, p.Glu691Gly (NM_001406627.1, NM_001406628.1); and 8 more; short protein forms E1004G, E658G, E692G, E887G, E957G, E995G, E691G, E873G.
Identifiers: ClinVar variation 2819434 (VCV002819434.4), dbSNP rs2131614689, ClinGen allele CA375367831.

ClinVar aggregate classification (germline): Uncertain significance. Review status: criteria provided, multiple submitters, no conflicts (2 of 4 stars). 2 submissions from 2 submitters: Uncertain significance (2). Last evaluated 2025-06-13.

Conditions:
Tuberous sclerosis 1 (TSC1). Identifiers: Orphanet 805, MedGen C1854465, MONDO:0008612, OMIM 191100.
Hereditary cancer-predisposing syndrome. Also called: Neoplastic Syndromes, Hereditary; Hereditary Cancer Syndrome; Hereditary neoplastic syndrome; Tumor predisposition. Identifiers: Orphanet 140162, MedGen C0027672, MeSH D009386, MONDO:0015356.

Allele frequency attached by ClinVar (database versions not stated): gnomAD exomes below 0.00001.
gnomAD v4.1: 1 of 1,614,000 alleles (0.000062%); highest among the groups gnomAD compares: Non-Finnish European, 0.000085%; no homozygotes.

Submissions (2):

Ambry Genetics
Classification: Uncertain significance for Hereditary cancer-predisposing syndrome. Last evaluated: 2025-06-13. Review status: criteria provided, single submitter. Criteria: Ambry Variant Classification Scheme 2023. Collection method: clinical testing. Allele origin: germline.
Comment: The p.E1009G variant (also known as c.3026A>G), located in coding exon 21 of the TSC1 gene, results from an A to G substitution at nucleotide position 3026. The glutamic acid at codon 1009 is replaced by glycine, an amino acid with similar properties. This amino acid position is conserved. In addition, the in silico prediction for this alteration is inconclusive. Based on the available evidence, the clinical significance of this variant remains unclear.

Labcorp Genetics (formerly Invitae), Labcorp
Classification: Uncertain significance for Tuberous sclerosis 1. Last evaluated: 2022-12-08. Review status: criteria provided, single submitter. Criteria: Invitae Variant Classification Sherloc (09022015). Collection method: clinical testing. Allele origin: germline.
Comment: This variant is not present in population databases (gnomAD no frequency). This sequence change replaces glutamic acid, which is acidic and polar, with glycine, which is neutral and non-polar, at codon 1009 of the TSC1 protein (p.Glu1009Gly). This variant has not been reported in the literature in individuals affected with TSC1-related conditions. Advanced modeling of protein sequence and biophysical properties (such as structural, functional, and spatial information, amino acid conservation, physicochemical variation, residue mobility, and thermodynamic stability) performed at Invitae indicates that this missense variant is not expected to disrupt TSC1 protein function. In summary, the available evidence is currently insufficient to determine the role of this variant in disease. Therefore, it has been classified as a Variant of Uncertain Significance.